The following is an entry in ClinVar:

NM_001009944.3(PKD1):c.10987A>G (p.Lys3663Glu)

Genes: PKD1 (polycystin 1, transient receptor potential channel interacting; minus strand), PKD1-AS1 (PKD1 antisense RNA 1; plus strand). Cytogenetic location: 16p13.3.
Variant type: single nucleotide variant.
Coding change: c.10987A>G on transcript NM_001009944.3 (MANE Select); coding-DNA position 10987, A replaced by G.
Protein change: p.Lys3663Glu; replaces lysine 3663 with glutamic acid.
Molecular consequence: missense variant.
Genome position (GRCh38, 1-based): chr16:2,093,573, T>C on the plus strand (A>G on the coding strand, the complement: PKD1 is on the minus strand). VCF-style: chr16-2093573-T-C. GRCh37 (hg19) VCF-style: chr16-2143574-T-C.
Other names: c.10984A>G, p.Lys3662Glu (NM_000296.4); short protein forms K3662E, K3663E.
Identifiers: ClinVar variation 3390116 (VCV003390116.14).

ClinVar aggregate classification (germline): Uncertain significance (1 of 4 stars; one submission).

gnomAD v4.1: 1 of 1,606,516 alleles (0.000062%); no homozygotes.

Submission:

CeGaT Center for Human Genetics Tuebingen
Classification: Uncertain significance. Last evaluated: 2024-11-01. Review status: criteria provided, single submitter. Criteria: CeGaT Center For Human Genetics Tuebingen Variant Classification Criteria Version 2. Collection method: clinical testing. Allele origin: germline. Affected: yes. Observed: 1 variant allele.
Comment: PKD1: PM2